The following is an entry in ClinVar:

ClinVar aggregate classification (germline): Uncertain significance (1 of 4 stars; one submission).

Conditions:
Noonan syndrome 8 (NS8). Identifiers: Orphanet 648, MedGen C3809233, MONDO:0014143, OMIM 615355.

Submission:

Labcorp Genetics (formerly Invitae), Labcorp
Classification: Uncertain significance for Noonan syndrome 8. Last evaluated: 2025-05-25. Review status: criteria provided, single submitter. Criteria: Invitae Variant Classification Sherloc (09022015). Collection method: clinical testing. Allele origin: germline.
Comment: This sequence change replaces alanine, which is neutral and non-polar, with threonine, which is neutral and polar, at codon 189 of the RIT1 protein (p.Ala189Thr). This variant is not present in population databases (gnomAD no frequency). This variant has not been reported in the literature in individuals affected with RIT1-related conditions. ClinVar contains an entry for this variant (Variation ID: 2886296). Invitae Evidence Modeling of protein sequence and biophysical properties (such as structural, functional, and spatial information, amino acid conservation, physicochemical variation, residue mobility, and thermodynamic stability) indicates that this missense variant is not expected to disrupt RIT1 protein function with a negative predictive value of 95%. In summary, the available evidence is currently insufficient to determine the role of this variant in disease. Therefore, it has been classified as a Variant of Uncertain Significance.

NM_006912.6(RIT1):c.565G>A (p.Ala189Thr)

Gene: RIT1 (Ras like without CAAX 1; minus strand). Cytogenetic location: 1q22.
Variant type: single nucleotide variant.
Coding change: c.565G>A on transcript NM_006912.6 (MANE Select); coding-DNA position 565, G replaced by A.
Protein change: p.Ala189Thr; replaces alanine 189 with threonine.
Molecular consequence: missense variant.
Genome position (GRCh38, 1-based): chr1:155,900,483, C>T on the plus strand (G>A on the coding strand, the complement: RIT1 is on the minus strand). VCF-style: chr1-155900483-C-T. GRCh37 (hg19) VCF-style: chr1-155870274-C-T.
Other names: c.457G>A, p.Ala153Thr (NM_001256820.2); c.616G>A, p.Ala206Thr (NM_001256821.2); short protein forms A206T, A153T, A189T.
Identifiers: ClinVar variation 2886296 (VCV002886296.3), dbSNP rs2527171316, ClinGen allele CA342801074.
Genomic context (GRCh38, chr1:155,900,483, plus strand): 5'-ATTTTAGCCTCTTCCATACACTGTTTTTGGGCTTAGATTTTTTCTCCATGGCCAGTACTG[C>T]CTCCTTTTCTTTCCTACGTATCTCCCGTACAAGGGCATGGAAAACATCATCAATATAGTA-3'
Protein context (NP_008843.1, residues 179-199): VREIRRKEKE[Ala189Thr]VLAMEKKSKP